The following is an entry in ClinVar:

ClinVar aggregate classification (germline): Uncertain significance. Review status: criteria provided, multiple submitters, no conflicts (2 of 4 stars). 2 submissions from 2 submitters: Uncertain significance (2). Last evaluated 2025-08-29.

Conditions:
Inborn genetic diseases. Identifiers: MedGen C0950123, MeSH D030342.

Allele frequency attached by ClinVar (database versions not stated): TOPMed 0.00001; ExAC 0.00003; gnomAD exomes 0.00004.
gnomAD v4.1: 50 of 1,614,056 alleles (0.0031%); highest among the groups gnomAD compares: Middle Eastern, 0.016%; no homozygotes.

Submissions (2):

Ambry Genetics
Classification: Uncertain significance for Inborn genetic diseases. Last evaluated: 2025-08-29. Review status: criteria provided, single submitter. Criteria: Ambry Variant Classification Scheme 2023. Collection method: clinical testing. Allele origin: germline.

Labcorp Genetics (formerly Invitae), Labcorp
Classification: Uncertain significance. Last evaluated: 2022-03-17. Review status: criteria provided, single submitter. Criteria: Invitae Variant Classification Sherloc (09022015). Collection method: clinical testing. Allele origin: germline.
Comment: This sequence change replaces glutamic acid, which is acidic and polar, with lysine, which is basic and polar, at codon 838 of the TBCD protein (p.Glu838Lys). This variant is present in population databases (rs755381482, gnomAD 0.02%). This variant has not been reported in the literature in individuals affected with TBCD-related conditions. Algorithms developed to predict the effect of missense changes on protein structure and function (SIFT, PolyPhen-2, Align-GVGD) all suggest that this variant is likely to be tolerated. In summary, the available evidence is currently insufficient to determine the role of this variant in disease. Therefore, it has been classified as a Variant of Uncertain Significance.

NM_005993.5(TBCD):c.2512G>A (p.Glu838Lys)

Gene: TBCD (tubulin folding cofactor D). Cytogenetic location: 17q25.3.
Variant type: single nucleotide variant.
Coding change: c.2512G>A on transcript NM_005993.5 (MANE Select); coding-DNA position 2512, G replaced by A.
Protein change: p.Glu838Lys; replaces glutamic acid 838 with lysine.
Molecular consequence: missense variant.
Genome position (GRCh38, 1-based): chr17:82,927,226, G>A. VCF-style: chr17-82927226-G-A. GRCh37 (hg19) VCF-style: chr17-80885102-G-A.
Other names: c.2512G>A (NM_005993.4); short protein forms E838K.
Identifiers: ClinVar variation 1421840 (VCV001421840.6), dbSNP rs755381482, ClinGen allele CA8863097.